The following is an entry in ClinVar:

ClinVar aggregate classification (germline): Uncertain significance (1 of 4 stars; one submission).

Allele frequency attached by ClinVar (database versions not stated): gnomAD exomes below 0.00001; gnomAD 0.00001; TOPMed 0.00001.

Submission:

Centre for Mendelian Genomics, University Medical Centre Ljubljana
Classification: Uncertain significance. Last evaluated: 2019-11-12. Review status: criteria provided, single submitter. Criteria: ACMG Guidelines, 2015. Collection method: clinical testing. Allele origin: unknown. Affected: yes.
Comment: This variant was classified as: Uncertain significance. The available evidence on this variant's pathogenicity is insufficient or conflicting. The following ACMG criteria were applied in classifying this variant: PM2,PP3.

NM_001199267.2(DGKZ):c.2062C>T (p.Arg688Cys)

Gene: DGKZ (diacylglycerol kinase zeta; plus strand). Cytogenetic location: 11p11.2.
Variant type: single nucleotide variant.
Coding change: c.2062C>T on transcript NM_001199267.2 (MANE Select); coding-DNA position 2062, C replaced by T.
Protein change: p.Arg688Cys; replaces arginine 688 with cysteine.
Molecular consequence: missense variant.
Genome position (GRCh38, 1-based): chr11:46,376,119, C>T. VCF-style: chr11-46376119-C-T. GRCh37 (hg19) VCF-style: chr11-46397669-C-T.
Other names: c.2629C>T, p.Arg877Cys (NM_001105540.2); c.2065C>T, p.Arg689Cys (NM_001199266.2, NM_003646.4); c.1996C>T, p.Arg666Cys (NM_001199268.2); c.2113C>T, p.Arg705Cys (NM_201532.3); c.2077C>T, p.Arg693Cys (NM_201533.3); short protein forms R689C, R877C, R688C, R705C, R666C, R693C.
Identifiers: ClinVar variation 931644 (VCV000931644.3), dbSNP rs1236003340, ClinGen allele CA380225428.